The following is an entry in ClinVar:

ClinVar aggregate classification (germline): Pathogenic (1 of 4 stars; one submission).

Conditions:
Autosomal dominant nonsyndromic hearing loss 22. Also called: Autosomal dominant nonsyndromic deafness 22; DFNA 22. Identifiers: Orphanet 228012, MedGen C2931767, MONDO:0011660, OMIM 606346.

Submission:

Precision Medicine Center, Zhengzhou University
Classification: Pathogenic for Autosomal dominant nonsyndromic hearing loss 22. Last evaluated: 2006-06-30. Review status: criteria provided, single submitter. Criteria: ClinGen HL ACMG Specifications v1. Collection method: clinical testing. Allele origin: de novo. Affected: yes.
Comment: PVS1+PM2:The MYO6 c.2658+1G>A variant affects the canonical splice donor site at the +1 position and is predicted to abolish normal RNA splicing. As loss of function is an established disease mechanism for MYO6-related hearing loss, this variant is expected to result in aberrant splicing, leading to an absent or disrupted protein product, thereby meeting the PVS1 criterion. The variant is absent or extremely rare in population databases, including gnomAD, supporting its rarity in the general population (PM2). Based on the ACMG/AMP guidelines, this variant meets the criteria PVS1 and PM2 and is therefore classified as Pathogenic.

NM_004999.4(MYO6):c.2658+1G>A

Gene: MYO6 (myosin VI; plus strand). Cytogenetic location: 6q14.1.
Variant type: single nucleotide variant.
Coding change: c.2658+1G>A on transcript NM_004999.4 (MANE Select); the canonical splice donor site of the intron after coding-DNA position 2658, G replaced by A.
Molecular consequence: splice donor variant.
Genome position (GRCh38, 1-based): chr6:75,886,995, G>A. VCF-style: chr6-75886995-G-A. GRCh37 (hg19) VCF-style: chr6-76596712-G-A.
Other names: c.2658+1G>A (NM_001368865.1, NM_001368866.1, NM_001368137.1 and 2 more transcripts); c.2643+1G>A (NM_001368138.1).
Identifiers: ClinVar variation 4857378 (VCV004857378.1).